The following is an entry in ClinVar:

ClinVar aggregate classification (germline): Pathogenic (1 of 4 stars; one submission).

Submission:

Labcorp Genetics (formerly Invitae), Labcorp
Classification: Pathogenic. Last evaluated: 2022-12-30. Review status: criteria provided, single submitter. Criteria: Invitae Variant Classification Sherloc (09022015). Collection method: clinical testing. Allele origin: germline.
Comment: This variant is not present in population databases (gnomAD no frequency). This sequence change creates a premature translational stop signal (p.Ile198Thrfs*30) in the TBX4 gene. It is expected to result in an absent or disrupted protein product. Loss-of-function variants in TBX4 are known to be pathogenic (PMID: 15106123, 31151956, 31761294, 31965066, 32079640). This variant has not been reported in the literature in individuals affected with TBX4-related conditions. For these reasons, this variant has been classified as Pathogenic.

Literature cited by the submitters: PubMed 15106123; PubMed 31151956; PubMed 31761294; PubMed 31965066; PubMed 32079640.

NM_001321120.2(TBX4):c.593del (p.Ile198fs)

Gene: TBX4 (T-box transcription factor 4; plus strand). Cytogenetic location: 17q23.2.
Variant type: Deletion.
Coding change: c.593del on transcript NM_001321120.2 (MANE Select); coding-DNA position 593, one base deleted (T; older notation c.593delT).
Protein change: p.Ile198fs; shifts the reading frame from isoleucine 198.
Molecular consequence: frameshift variant.
Genome position (GRCh38, 1-based): chr17:61,478,670, T deleted. VCF-style (leftmost placement, unchanged base first): chr17-61478669-AT-A. GRCh37 (hg19) VCF-style: chr17-59556030-AT-A.
Other names: c.593del, p.Ile198fs (NM_018488.3); short protein forms I198fs.
Identifiers: ClinVar variation 2825071 (VCV002825071.3), dbSNP rs2509565286, ClinGen allele CA2576344846.